The following is an entry in ClinVar:

ClinVar aggregate classification (germline): Uncertain significance (1 of 4 stars; one submission).

Conditions:
Developmental and epileptic encephalopathy, 54. Also called: Epileptic encephalopathy, early infantile, 54; HNRNPU-Related Neurodevelopmental Disorder. Identifiers: MedGen C4479319, MONDO:0033363, OMIM 617391.

Submission:

Institute of Human Genetics, University of Leipzig Medical Center
Classification: Uncertain significance for Developmental and epileptic encephalopathy, 54. Last evaluated: 2024-09-17. Review status: criteria provided, single submitter. Criteria: ACMG Guidelines, 2015. Collection method: clinical testing. Allele origin: unknown. Inheritance: Autosomal dominant inheritance. Affected: yes.
Comment: Criteria applied: PM1_SUP,PM2,PP2,PP3

NM_031844.3(HNRNPU):c.1767G>C (p.Gln589His)

Gene: HNRNPU (heterogeneous nuclear ribonucleoprotein U; minus strand). Cytogenetic location: 1q44.
Variant type: single nucleotide variant.
Coding change: c.1767G>C on transcript NM_031844.3 (MANE Select); coding-DNA position 1767, G replaced by C.
Protein change: p.Gln589His; replaces glutamine 589 with histidine.
Molecular consequence: missense variant.
Genome position (GRCh38, 1-based): chr1:244,856,602, C>G on the plus strand (G>C on the coding strand, the complement: HNRNPU is on the minus strand). VCF-style: chr1-244856602-C-G. GRCh37 (hg19) VCF-style: chr1-245019904-C-G.
Other names: c.1710G>C, p.Gln570His (NM_004501.3); short protein forms Q570H, Q589H.
Identifiers: ClinVar variation 3359087 (VCV003359087.2).